The following is an entry in ClinVar:

NM_000214.3(JAG1):c.2372+1G>T

Gene: JAG1 (jagged canonical Notch ligand 1; minus strand). Cytogenetic location: 20p12.2.
Variant type: single nucleotide variant.
Coding change: c.2372+1G>T on transcript NM_000214.3 (MANE Select); the canonical splice donor site of the intron after coding-DNA position 2372, G replaced by T.
Molecular consequence: splice donor variant.
Genome position (GRCh38, 1-based): chr20:10,644,356, C>A on the plus strand (G>T on the coding strand, the complement: JAG1 is on the minus strand). VCF-style: chr20-10644356-C-A. GRCh37 (hg19) VCF-style: chr20-10625004-C-A.
Other names: NC_000020.10:g.10625004C>A.
Identifiers: ClinVar variation 1028619 (VCV001028619.2), dbSNP rs2067293664, ClinGen allele CA408234755.

ClinVar aggregate classification (germline): Pathogenic (1 of 4 stars; one submission).

Conditions:
Alagille syndrome due to a JAG1 point mutation. Also called: Alagille Syndrome 1; HEPATIC DUCTULAR HYPOPLASIA, SYNDROMATIC; JAG1-Related Alagille Syndrome. Identifiers: Orphanet 261619, Orphanet 52, MedGen C1956125, MONDO:0016862, OMIM 118450.

Submissions (4):

Baylor Genetics
Classification: Pathogenic for Alagille syndrome due to a JAG1 point mutation. Last evaluated: 2019-11-07. Review status: criteria provided, single submitter. Criteria: ACMG Guidelines, 2015. Collection method: clinical testing. Allele origin: unknown. Affected: yes.
Comment: This variant was determined to be pathogenic according to ACMG Guidelines, 2015 [PMID:25741868].

Dr. Peter K. Rogan Lab, Western University
No classification provided (evidence only). Condition: Nonpapillary renal cell carcinoma. Review status: no classification provided. Collection method: in vitro. Allele origin: not applicable. Functional consequence: retained intron. Not counted in ClinVar's aggregate classification.

Dr. Peter K. Rogan Lab, Western University
No classification provided (evidence only). Condition: Ovarian serous cystadenocarcinoma. Review status: no classification provided. Collection method: in vitro. Allele origin: not applicable. Functional consequence: retained intron. Not counted in ClinVar's aggregate classification.

Dr. Peter K. Rogan Lab, Western University
No classification provided (evidence only). Condition: Ovarian serous cystadenocarcinoma. Review status: no classification provided. Collection method: in vitro. Allele origin: not applicable. Functional consequence: retained intron. Not counted in ClinVar's aggregate classification.